The following is an entry in ClinVar:

NM_001353694.2(TIAM1):c.839C>T (p.Thr280Ile)

Gene: TIAM1 (TIAM Rac1 associated GEF 1; minus strand). Cytogenetic location: 21q22.11.
Variant type: single nucleotide variant.
Coding change: c.839C>T on transcript NM_001353694.2 (MANE Select); coding-DNA position 839, C replaced by T.
Protein change: p.Thr280Ile; replaces threonine 280 with isoleucine.
Molecular consequence: missense variant.
Genome position (GRCh38, 1-based): chr21:31,266,134, G>A on the plus strand (C>T on the coding strand, the complement: TIAM1 is on the minus strand). VCF-style: chr21-31266134-G-A. GRCh37 (hg19) VCF-style: chr21-32638450-G-A.
Other names: c.839C>T, p.Thr280Ile (NM_001353686.2, NM_001353687.2, NM_001353688.1 and 6 more transcripts); short protein forms T280I.
Identifiers: ClinVar variation 3764202 (VCV003764202.1).

ClinVar aggregate classification (germline): Uncertain significance (1 of 4 stars; one submission).

gnomAD v4.1: 64 of 1,614,066 alleles (0.004%); highest among the groups gnomAD compares: Middle Eastern, 0.066%; 1 homozygote.

Submission:

GeneDx
Classification: Uncertain significance. Last evaluated: 2024-08-23. Review status: criteria provided, single submitter. Criteria: GeneDx Variant Classification Process June 2021. Collection method: clinical testing. Allele origin: germline. Affected: yes.
Comment: In silico analysis indicates that this missense variant does not alter protein structure/function; Has not been previously published as pathogenic or benign to our knowledge